The following is an entry in ClinVar:

ClinVar aggregate classification (germline): Conflicting classifications of pathogenicity. Review status: criteria provided, conflicting classifications (1 of 4 stars). 10 submissions from 9 submitters: Likely pathogenic (1); Uncertain significance (9). Last evaluated 2026-01-19.

Conditions:
PTPRC-related disorder. Also called: PTPRC-related condition.
Immunodeficiency 105 (IMD105). Also called: Immunodeficiency 105, severe combined. Identifiers: MedGen C5677005, MONDO:0800104, OMIM 619924.
Immunodeficiency 104. Also called: IMMUNODEFICIENCY 104, SEVERE COMBINED; Severe combined immunodeficiency, autosomal recessive, T cell-negative, B cell-positive, NK cell-positive; Severe Combined Immune Deficiency, Autosomal Recessive, TCell -Negative, B Cell-Positive, NK Cell-Positive, IL7R-Related; SCID, AUTOSOMAL RECESSIVE, T CELL-NEGATIVE, B CELL-POSITIVE, NK CELL-POSITIVE. Identifiers: MedGen C5676890, MONDO:0012163, OMIM 608971.
Hepatitis C virus, susceptibility to. Also called: HCV, SUSCEPTIBILITY TO. Identifiers: MedGen C1835407, MONDO:0012292, OMIM 609532.

Allele frequency attached by ClinVar (database versions not stated): gnomAD 0.00025 and 0.00027; gnomAD exomes 0.00025 and 0.00057; ExAC 0.00027; ESP Exome Variant Server 0.00031; TOPMed 0.00031; 1000 Genomes Project 30x 0.00078; 1000 Genomes Project 0.00080.
gnomAD v4.1: 871 of 1,611,930 alleles (0.054%); highest among the groups gnomAD compares: Middle Eastern, 0.18%; 1 homozygote.

Submissions (10):

Labcorp Genetics (formerly Invitae), Labcorp
Classification: Uncertain significance for Immunodeficiency 104. Last evaluated: 2026-01-19. Review status: criteria provided, single submitter. Criteria: Invitae Variant Classification Sherloc (09022015). Collection method: clinical testing. Allele origin: germline.
Comment: This sequence change replaces leucine, which is neutral and non-polar, with serine, which is neutral and polar, at codon 1182 of the PTPRC protein (p.Leu1182Ser). This variant is present in population databases (rs114970039, gnomAD 0.04%). This missense change has been observed in individual(s) with combined immunodeficiency (PMID: 26915675, 39132680). This variant is also known as c.T3062C, p.L1021S. ClinVar contains an entry for this variant (Variation ID: 190992). An algorithm developed to predict the effect of missense changes on protein structure and function (PolyPhen-2) suggests that this variant is likely to be disruptive. In summary, the available evidence is currently insufficient to determine the role of this variant in disease. Therefore, it has been classified as a Variant of Uncertain Significance.

PreventionGenetics, part of Exact Sciences
Classification: Uncertain significance for PTPRC-related condition. Last evaluated: 2025-09-22. Review status: criteria provided, single submitter. Criteria: ACMG Guidelines, 2015. Collection method: clinical testing. Allele origin: germline.
Comment: The PTPRC c.3545T>C variant is predicted to result in the amino acid substitution p.Leu1182Ser. This variant has been reported in the homozygous state an individual with combined immunodeficiency (Table III, Supplemental Data, Al-Mousa et al. 2016. PubMed ID: 26915675). This variant is reported in 0.042% of alleles in individuals of European (Non-Finnish) descent in gnomAD. At this time, the clinical significance of this variant is uncertain due to the absence of conclusive functional and genetic evidence.

Blueprint Genetics
Classification: Uncertain significance. Last evaluated: 2024-11-04. Review status: criteria provided, single submitter. Criteria: ACMG Guidelines, 2015. Collection method: clinical testing. Allele origin: germline.

Women's Health and Genetics/Laboratory Corporation of America, LabCorp
Classification: Uncertain significance. Last evaluated: 2024-01-12. Review status: criteria provided, single submitter. Criteria: LabCorp Variant Classification Summary - May 2015. Collection method: clinical testing. Allele origin: germline.
Comment: Variant summary: PTPRC c.3545T>C (p.Leu1182Ser) results in a non-conservative amino acid change located in the Tyrosine-specific protein phosphatase, PTPase domain (IPR000242) of the encoded protein sequence. Five of five in-silico tools predict a damaging effect of the variant on protein function. The variant allele was found at a frequency of 0.00025 in 250448 control chromosomes (gnomAD). This frequency is not significantly higher than estimated for a pathogenic variant in PTPRC causing Severe Combined Immunodeficiency (0.00025 vs 0.00035), although the frequency in non-Finnish Europeans (0.00043) is slighly higher than estimated. c.3545T>C has been reported in the literature in a homozygous individual affected with Combined Immunodeficiency (Al-Mousa_2016). This report does not provide unequivocal conclusions about association of the variant with Severe Combined Immunodeficiency. To our knowledge, no experimental evidence demonstrating an impact on protein function has been reported. The following publication has been ascertained in the context of this evaluation (PMID: 26915675). ClinVar contains an entry for this variant (Variation ID: 190992). Based on the evidence outlined above, the variant was classified as uncertain significance.

Fulgent Genetics
Classification: Uncertain significance for Immunodeficiency 104; Hepatitis C virus, susceptibility to. Last evaluated: 2022-02-18. Review status: criteria provided, single submitter. Criteria: ACMG Guidelines, 2015. Collection method: clinical testing. Allele origin: unknown.

Center for Genomics, Ann and Robert H. Lurie Children's Hospital of Chicago
Classification: Uncertain significance for Immunodeficiency 105. Last evaluated: 2021-03-30. Review status: criteria provided, single submitter. Criteria: ACMG Guidelines, 2015. Collection method: clinical testing. Allele origin: germline.
Comment: PTPRC NM_002838.4 exon 32 p.Leu1182Ser (c.3545T>C): This variant has been reported in the literature as homozygous in 1 individual with combined immunodeficiency (Al-Mousa 2016 PMID:26915675). This variant is present in 53/126002 European alleles in the Genome Aggregation Database. This variant is present in ClinVar (Variation ID:190992). Evolutionary conservation and computational predictive tools for this variant are unclear. In summary, data on this variant is insufficient for disease classification. Therefore, the clinical significance of this variant is uncertain.

Baylor Genetics
Classification: Uncertain significance for Immunodeficiency 104. Last evaluated: 2019-08-13. Review status: criteria provided, single submitter. Criteria: ACMG Guidelines, 2015. Collection method: clinical testing. Allele origin: unknown. Affected: yes.
Comment: This variant was determined to be of uncertain significance according to ACMG Guidelines, 2015 [PMID:25741868].

Center for Genomics, Ann and Robert H. Lurie Children's Hospital of Chicago
Classification: Uncertain significance for Immunodeficiency 104. Last evaluated: 2018-06-08. Review status: criteria provided, single submitter. Criteria: ACMG Guidelines, 2015. Collection method: clinical testing. Allele origin: germline.
Comment: the same text as in the submission from Center for Genomics, Ann and Robert H. Lurie Children's Hospital of Chicago above.

Breakthrough Genomics
Classification: Uncertain significance. Review status: criteria provided, single submitter. Criteria: ACMG Guidelines, 2015. Collection method: not provided. Allele origin: germline. Inheritance: Autosomal recessive inheritance. Affected: yes.

Genomic Medicine Center of Excellence, King Faisal Specialist Hospital and Research Centre
Classification: Likely pathogenic. Review status: criteria provided, single submitter. Criteria: ACMG Guidelines, 2015. Collection method: research. Allele origin: germline. Affected: yes.

Literature cited by the submitters: PubMed 26915675 (cited by Labcorp Genetics (formerly Invitae), Labcorp and Women's Health and Genetics/Laboratory Corporation of America, LabCorp); PubMed 39132680 (cited by Labcorp Genetics (formerly Invitae), Labcorp).

NM_002838.5(PTPRC):c.3545T>C (p.Leu1182Ser)

Gene: PTPRC (protein tyrosine phosphatase receptor type C; plus strand). Cytogenetic location: 1q32.1.
Variant type: single nucleotide variant.
Coding change: c.3545T>C on transcript NM_002838.5 (MANE Select); coding-DNA position 3545, T replaced by C.
Protein change: p.Leu1182Ser; replaces leucine 1182 with serine.
Molecular consequence: missense variant.
Genome position (GRCh38, 1-based): chr1:198,754,304, T>C. VCF-style: chr1-198754304-T-C. GRCh37 (hg19) VCF-style: chr1-198723433-T-C.
Other names: c.3062T>C, p.Leu1021Ser (NM_080921.4); short protein forms L1182S, L1021S.
Identifiers: ClinVar variation 190992 (VCV000190992.15), dbSNP rs114970039, ClinGen allele CA235772.
Genomic context (GRCh38, chr1:198,754,304, plus strand): 5'-TTTCTATCTTTTCTTTCTTTTATAGGGATGGATCTCAGCAAACGGGAATATTTTGTGCTT[T>C]GTTAAATCTCTTAGAAAGTGCGGAAACAGAAGAGGTAGTGGATATTTTTCAAGTGGTAAA-3'
Protein context (NP_002829.3, residues 1172-1192): GSQQTGIFCA[Leu1182Ser]LNLLESAETE